The following is an entry in ClinVar:

NM_000642.3(AGL):c.18_19del (p.Gln6fs)

Gene: AGL (amylo-alpha-1,6-glucosidase and 4-alpha-glucanotransferase; plus strand). Cytogenetic location: 1p21.2.
Variant type: Deletion.
Coding change: c.18_19del on transcript NM_000642.3 (MANE Select); coding-DNA positions 18 to 19, 2 bases deleted (GA; older notation c.18_19delGA).
Protein change: p.Gln6fs; shifts the reading frame from glutamine 6.
Molecular consequence: frameshift variant.
Genome position (GRCh38, 1-based): chr1:99,851,060-99,851,061, GA deleted; deleting any 2 consecutive bases within chr1:99,851,059-99,851,061 gives the same sequence; the c. name uses the placement nearest the transcript's 3' end. VCF-style (leftmost placement, unchanged base first): chr1-99851058-CAG-C. GRCh37 (hg19) VCF-style: chr1-100316614-CAG-C.
Other names: c.18_19delGA (NM_000642.3); c.17_18delAG (NM_000642.2); c.18_19delGA, p.Gln6Hisfs (NM_000028.3, NM_000643.3, NM_000644.3 and 6 more transcripts); c.-174_-173delGA (NM_000646.3); short protein forms Q6fs.
Identifiers: ClinVar variation 195097 (VCV000195097.41), dbSNP rs113994127, ClinGen allele CA114757.

ClinVar aggregate classification (germline): Pathogenic/Likely pathogenic. Review status: criteria provided, multiple submitters, no conflicts (2 of 4 stars). 16 submissions from 16 submitters: Pathogenic (10); Likely pathogenic (3). 3 of the submissions do not count toward it. Last evaluated 2026-01-13.

Conditions:
AGL-related disorder. Also called: AGL-related condition.
Glycogen storage disease type III (GSD3). Also called: Cori disease; FORBES DISEASE. Identifiers: Orphanet 366, MedGen C0017922, MONDO:0009291, OMIM 232400.
Glycogen storage disease. Also called: glycogen storage disorder; Disorder of glycogen metabolism. Identifiers: Orphanet 79201, MedGen C0017919, MONDO:0002412.
Glycogen storage disease IIIb. Also called: Glycogen Storage Disease Type IIIb (GSD IIIb). Identifiers: MedGen C1968740.

Submissions (16):

Labcorp Genetics (formerly Invitae), Labcorp
Classification: Pathogenic for Glycogen storage disease type III. Last evaluated: 2026-01-13. Review status: criteria provided, single submitter. Criteria: Invitae Variant Classification Sherloc (09022015). Collection method: clinical testing. Allele origin: germline.
Comment: This sequence change creates a premature translational stop signal (p.Gln6Hisfs*20) in the AGL gene. It is expected to result in an absent or disrupted protein product. Loss-of-function variants in AGL are known to be pathogenic (PMID: 19299494). This variant is present in population databases (rs113994127, gnomAD 0.008%). This premature translational stop signal has been observed in individuals with glycogen storage disease III (PMID: 8755644, 20490926, 20648714). ClinVar contains an entry for this variant (Variation ID: 195097). For these reasons, this variant has been classified as Pathogenic.

NHS Central & South Genomic Laboratory Hub
Classification: Likely pathogenic for Glycogen storage disease. Last evaluated: 2025-10-21. Review status: criteria provided, single submitter. Criteria: ACMG Guidelines, 2015. Collection method: clinical testing. Allele origin: germline. Affected: yes.

Natera, Inc.
Classification: Pathogenic for Glycogen storage disease type III. Last evaluated: 2025-07-28. Review status: criteria provided, single submitter. Criteria: Natera Variant Classification Schema (03/2026). Collection method: clinical testing. Allele origin: germline.
Comment: The c.18_19delGA variant in AGL is a frameshift variant predicted to shift the reading frame beginning at codon 6 and leads to a stop codon 20 codons downstream. This variant is expected to result in nonsense mediated decay, truncation, or a dysfunctional protein product. This variant is rare in the general population with a frequency below the threshold expected for the associated phenotype(s). This variant has been observed in one or more individuals affected with the associated recessive disease, as either homozygous or compound heterozygous with a second variant (PMID: 20490926). Given the available evidence, this variant is classified as Pathogenic.

Blueprint Genetics
Classification: Pathogenic for AGL-related disorders. Last evaluated: 2024-08-14. Review status: criteria provided, single submitter. Criteria: ACMG Guidelines, 2015. Collection method: clinical testing. Allele origin: germline. Affected: yes. Observed: 5 variant alleles.

Baylor Genetics
Classification: Pathogenic for Glycogen storage disease type III. Last evaluated: 2024-03-30. Review status: criteria provided, single submitter. Criteria: ACMG Guidelines, 2015. Collection method: clinical testing. Allele origin: unknown.

Department of Pathology and Laboratory Medicine, Sinai Health System
Classification: Pathogenic for Glycogen storage disease type III. Last evaluated: 2023-08-17. Review status: criteria provided, single submitter. Criteria: ACMG Guidelines, 2015. Collection method: research. Allele origin: germline.

Genome-Nilou Lab
Classification: Pathogenic for Glycogen storage disease type III. Last evaluated: 2021-07-15. Review status: criteria provided, single submitter. Criteria: ACMG Guidelines, 2015. Collection method: clinical testing. Allele origin: germline. Affected: no.

GeneDx
Classification: Pathogenic. Last evaluated: 2021-02-09. Review status: criteria provided, single submitter. Criteria: GeneDx Variant Classification Process June 2021. Collection method: clinical testing. Allele origin: germline. Affected: yes.
Comment: Not observed at a significant frequency in large population cohorts (gnomAD); Frameshift variant predicted to result in protein truncation or nonsense mediated decay in a gene for which loss-of-function is a known mechanism of disease; This variant is associated with the following publications: (PMID: 34820282, 20648714, 30487145, 20301788, 20526204, 20490926, 20071996, 8755644, 31263214, 32222031, 33368379, 31589614)

Myriad Genetics, Inc.
Classification: Likely pathogenic for Glycogen storage disease type III. Last evaluated: 2019-12-04. Review status: criteria provided, single submitter. Criteria: Myriad Women's Health Autosomal Recessive and X-Linked Classification Criteria (2019). Collection method: clinical testing. Allele origin: unknown.
Comment: NM_000642.2(AGL):c.18_19delGA(Q6Hfs*20) is classified as likely pathogenic in the context of glycogen storage disease type III. Sources cited for classification include the following: PMID 20648714 and 8755644. Classification of NM_000642.2(AGL):c.18_19delGA(Q6Hfs*20) is based on the following criteria: The variant causes a premature termination codon that is expected to be targeted by nonsense-mediated mRNA decay and is reported in individuals with the relevant phenotype. Please note: this variant was assessed in the context of healthy population screening.

Knight Diagnostic Laboratories, Oregon Health and Sciences University
Classification: Pathogenic for Glycogen storage disease iii. Last evaluated: 2017-09-18. Review status: criteria provided, single submitter. Criteria: ACMG Guidelines, 2015. Collection method: clinical testing. Allele origin: germline. Observed: 1 variant allele.

Illumina Laboratory Services, Illumina
Classification: Likely pathogenic for Glycogen storage disease type III. Last evaluated: 2017-04-27. Review status: criteria provided, single submitter. Criteria: ICSL Variant Classification Criteria 09 May 2019. Collection method: clinical testing. Allele origin: germline.
Comment: The AGL c.18_19delGA (p.Gln6HisfsTer20) variant, also referred to as c.17_18delAG, results in a frameshift, and is predicted to result in premature termination of the protein. The p.Gln6HisfsTer20 variant has been reported in at least three studies in which it is found in a total of 17 patients with glycogen storage disease type III, including in one in a homozygous state, in three in a compound heterozygous state, and in 13 in a heterozygous state where a second variant was not identified (Shen et al. 1996; Goldstein et al. 2010; Hobson-Webb et al. 2010). The p.Gln6HisfsTer20 variant was absent from 20 controls, but is reported at a frequency of 0.00009 in the European (non-Finnish) population of the Exome Aggregation Consortium. Based on the evidence and the potential impact of frameshift variants, the p.Gln6HisfsTer20 variant is classified as likely pathogenic for glycogen storage disease type III. This variant was observed by ICSL as part of a predisposition screen in an ostensibly healthy population.

Women's Health and Genetics/Laboratory Corporation of America, LabCorp
Classification: Pathogenic for Glycogen storage disease IIIb. Last evaluated: 2017-03-30. Review status: criteria provided, single submitter. Criteria: LabCorp Variant Classification Summary - May 2015. Collection method: clinical testing. Allele origin: germline.
Comment: Variant summary: The AGL c.18_19delGA (p.Gln6Hisfs) variant results in a premature termination codon, predicted to cause a truncated or absent AGL protein due to nonsense mediated decay, which are commonly known mechanisms for disease. Truncations downstream of this position have been classified as pathogenic by our laboratory (e.g. c.3216_3217delGA/p.Glu1072fs). This variant is absent from 121356 control chromosomes (ExAC dataset). This variant has been reported homozygously and in compound heterozygosity in patients with clinically and biochemically confirmed dx of GSD IIIb (Goldstein_GeneticsMed_2010). In addition, multiple clinical diagnostic laboratories/reputable databases classified this variant as "likely pathogenic/pathogenic". Taken together, this variant is classified as pathogenic.

Eurofins Ntd Llc (ga)
Classification: Pathogenic. Last evaluated: 2014-06-13. Review status: criteria provided, single submitter. Criteria: EGL Classification Definitions 2015. Collection method: clinical testing. Allele origin: germline.

PreventionGenetics, part of Exact Sciences
Classification: Pathogenic for AGL-related condition. Last evaluated: 2024-05-30. Review status: no assertion criteria provided. Collection method: clinical testing. Allele origin: germline. Not counted in ClinVar's aggregate classification.
Comment: The AGL c.18_19delGA variant is predicted to result in a frameshift and premature protein termination (p.Gln6Hisfs*20). This sequence variant has been reported to be one of the most common causative variants for glycogen storage disease (GSD) type IIIb (Shen et al. 1996. PubMed ID: 8755644; Goldstein et al. 2010. PubMed ID: 20648714). This variant has also been described in the literature as 17del and c.17_18del. This variant is interpreted as pathogenic.

OMIM
Classification: Pathogenic for GLYCOGEN STORAGE DISEASE, TYPE IIIb. Last evaluated: 1996-07-15. Review status: no assertion criteria provided. Collection method: literature only. Allele origin: germline. Not counted in ClinVar's aggregate classification.

GeneReviews
No classification provided. Condition: Glycogen storage disease type III. Review status: no classification provided. Collection method: literature only. Allele origin: germline. Not counted in ClinVar's aggregate classification.
Comment: Associated with GSD IIIb phenotype

Literature cited by the submitters: PubMed 19299494 (cited by Labcorp Genetics (formerly Invitae), Labcorp); PubMed 8755644 (cited by 6 submitters); PubMed 20490926 (cited by 3 submitters); PubMed 20648714 (cited by 4 submitters); PubMed 20071996 (cited by Illumina Laboratory Services, Illumina); PubMed 20526204 (cited by Women's Health and Genetics/Laboratory Corporation of America, LabCorp); NCBI Bookshelf NBK26372 (cited by GeneReviews).